The following is an entry in ClinVar:

NM_001041.4(SI):c.4984-1G>A

Gene: SI (sucrase-isomaltase; minus strand). Cytogenetic location: 3q26.1.
Variant type: single nucleotide variant.
Coding change: c.4984-1G>A on transcript NM_001041.4 (MANE Select); the canonical splice acceptor site of the intron before coding-DNA position 4984, G replaced by A.
Molecular consequence: splice acceptor variant.
Genome position (GRCh38, 1-based): chr3:164,991,478, C>T on the plus strand (G>A on the coding strand, the complement: SI is on the minus strand). VCF-style: chr3-164991478-C-T. GRCh37 (hg19) VCF-style: chr3-164709266-C-T.
Identifiers: ClinVar variation 3011989 (VCV003011989.3), dbSNP rs1490242400, ClinGen allele CA355028432.

ClinVar aggregate classification (germline): Likely pathogenic (1 of 4 stars; one submission).

Allele frequency attached by ClinVar (database versions not stated): TOPMed below 0.00001.
gnomAD v4.1: 3 of 1,613,358 alleles (0.00019%); highest among the groups gnomAD compares: Admixed American, 0.005%; no homozygotes.

Submission:

Labcorp Genetics (formerly Invitae), Labcorp
Classification: Likely pathogenic. Last evaluated: 2022-12-22. Review status: criteria provided, single submitter. Criteria: Invitae Variant Classification Sherloc (09022015). Collection method: clinical testing. Allele origin: germline.
Comment: This sequence change affects an acceptor splice site in intron 43 of the SI gene. It is expected to disrupt RNA splicing. Variants that disrupt the donor or acceptor splice site typically lead to a loss of protein function (PMID: 16199547), and loss-of-function variants in SI are known to be pathogenic (PMID: 16329100, 23103650, 25452324). This variant is present in population databases (no rsID available, gnomAD 0.006%). This variant has not been reported in the literature in individuals affected with SI-related conditions. Algorithms developed to predict the effect of sequence changes on RNA splicing suggest that this variant may disrupt the consensus splice site. In summary, the currently available evidence indicates that the variant is pathogenic, but additional data are needed to prove that conclusively. Therefore, this variant has been classified as Likely Pathogenic.

Literature cited by the submitters: PubMed 16199547; PubMed 16329100; PubMed 23103650; PubMed 25452324.